The following is an entry in ClinVar:

NM_020877.5(DNAH2):c.255G>A (p.Ala85=)

Gene: DNAH2 (dynein axonemal heavy chain 2; plus strand). Cytogenetic location: 17p13.1.
Variant type: single nucleotide variant.
Coding change: c.255G>A on transcript NM_020877.5 (MANE Select); coding-DNA position 255, G replaced by A.
Protein change: p.Ala85=; no amino-acid change (alanine 85 retained).
Molecular consequence: synonymous variant.
Genome position (GRCh38, 1-based): chr17:7,727,148, G>A. VCF-style: chr17-7727148-G-A. GRCh37 (hg19) VCF-style: chr17-7630466-G-A.
Other names: c.255G>A, p.Ala85= (NM_001303270.2).
Identifiers: ClinVar variation 3052762 (VCV003052762.3), dbSNP rs35406368, ClinGen allele CA8355809.
Genomic context (GRCh38, chr17:7,727,148, plus strand): 5'-GTAGTTACTTTGGCCCTCTGCTCTCCTTCTGTAGAAGCCCCTCTTCCTTTCCCGAGCTGC[G>A]CTGACAGGACTGGCGGATGCAGTGTGGACACAGGAGCATGATGCCATTCTGGAACACTTT-3'
Protein context (NP_065928.2, residues 75-95): DVKPLFLSRA[Ala85=]LTGLADAVWT

ClinVar aggregate classification (germline): Likely benign. Review status: criteria provided, single submitter (1 of 4 stars). 2 submissions from 2 submitters: Likely benign (1). 1 of the submissions does not count toward it. Last evaluated 2026-09-01.

Conditions:
DNAH2-related disorder. Also called: DNAH2-related condition.

Allele frequency attached by ClinVar (database versions not stated): ExAC 0.00121; gnomAD 0.00369; TOPMed 0.00405; 1000 Genomes Project 30x 0.00437; ESP Exome Variant Server 0.00438; 1000 Genomes Project 0.00479.
gnomAD v4.1: 1,045 of 1,584,204 alleles (0.066%); highest among the groups gnomAD compares: African/African-American, 1.2%; 10 homozygotes.

Submissions (2):

CeGaT Center for Human Genetics Tuebingen
Classification: Likely benign. Last evaluated: 2026-09-01. Review status: criteria provided, single submitter. Criteria: CeGaT Center For Human Genetics Tuebingen Variant Classification Criteria Version 2. Collection method: clinical testing. Allele origin: germline. Affected: yes. Observed: 1 variant allele.
Comment: DNAH2: BP4, BP7, BS1

PreventionGenetics, part of Exact Sciences
Classification: Benign for DNAH2-related condition. Last evaluated: 2019-08-28. Review status: no assertion criteria provided. Collection method: clinical testing. Allele origin: germline. Not counted in ClinVar's aggregate classification.
Comment: This variant is classified as benign based on ACMG/AMP sequence variant interpretation guidelines (Richards et al. 2015 PMID: 25741868, with internal and published modifications).